The following is an entry in ClinVar:

ClinVar aggregate classification (germline): Uncertain significance (1 of 4 stars; one submission).

Submission:

CeGaT Center for Human Genetics Tuebingen
Classification: Uncertain significance. Last evaluated: 2026-02-01. Review status: criteria provided, single submitter. Criteria: CeGaT Center For Human Genetics Tuebingen Variant Classification Criteria Version 2. Collection method: clinical testing. Allele origin: germline. Affected: yes. Observed: 1 variant allele.
Comment: KIDINS220: PM2, BP4

NM_020738.4(KIDINS220):c.5200C>G (p.His1734Asp)

Gene: KIDINS220 (kinase D interacting substrate 220; minus strand). Cytogenetic location: 2p25.1.
Variant type: single nucleotide variant.
Coding change: c.5200C>G on transcript NM_020738.4 (MANE Select); coding-DNA position 5200, C replaced by G.
Protein change: p.His1734Asp; replaces histidine 1734 with aspartic acid.
Molecular consequence: missense variant. On other transcripts: intron variant (6).
Genome position (GRCh38, 1-based): chr2:8,730,836, G>C on the plus strand (C>G on the coding strand, the complement: KIDINS220 is on the minus strand). VCF-style: chr2-8730836-G-C. GRCh37 (hg19) VCF-style: chr2-8870966-G-C.
Other names: c.5203C>G, p.His1735Asp (NM_001348729.2); c.5146C>G, p.His1716Asp (NM_001348731.2); c.5143C>G, p.His1715Asp (NM_001348732.2); c.5032C>G, p.His1678Asp (NM_001348734.2); c.5029C>G, p.His1677Asp (NM_001348735.2); c.4903C>G, p.His1635Asp (NM_001348736.2); c.3882+2608C>G (NM_001348741.2, NM_001348742.2, NM_001348743.2); c.3996+2608C>G (NM_001348738.2); and 1 more; short protein forms H1635D, H1677D, H1678D, H1715D, H1716D, H1734D, H1735D.
Identifiers: ClinVar variation 4823481 (VCV004823481.4).